The following is an entry in ClinVar:

ClinVar aggregate classification (germline): Likely pathogenic (1 of 4 stars; one submission).

Submission:

GeneDx
Classification: Likely pathogenic. Last evaluated: 2022-11-11. Review status: criteria provided, single submitter. Criteria: GeneDx Variant Classification Process June 2021. Collection method: clinical testing. Allele origin: germline. Affected: yes.
Comment: Has not been previously published as pathogenic or benign to our knowledge; Not observed at significant frequency in large population cohorts (gnomAD); In silico analysis supports a deleterious effect on splicing; This variant is associated with the following publications: (PMID: 27535533)

NM_001792.5(CDH2):c.1344+5G>A

Gene: CDH2 (cadherin 2; minus strand). Cytogenetic location: 18q12.1.
Variant type: single nucleotide variant.
Coding change: c.1344+5G>A on transcript NM_001792.5 (MANE Select); 5 bases into the intron after coding-DNA position 1344, G replaced by A.
Molecular consequence: intron variant.
Genome position (GRCh38, 1-based): chr18:27,992,650, C>T on the plus strand (G>A on the coding strand, the complement: CDH2 is on the minus strand). VCF-style: chr18-27992650-C-T. GRCh37 (hg19) VCF-style: chr18-25572614-C-T.
Other names: c.1251+5G>A (NM_001308176.2).
Identifiers: ClinVar variation 1723671 (VCV001723671.2), dbSNP rs2510798953, ClinGen allele CA2580095627.